The following is an entry in ClinVar:

ClinVar aggregate classification (germline): Uncertain significance (1 of 4 stars; one submission).

gnomAD v4.1: 2 of 1,608,116 alleles (0.00012%); no homozygotes.

Submission:

Labcorp Genetics (formerly Invitae), Labcorp
Classification: Uncertain significance. Last evaluated: 2022-03-09. Review status: criteria provided, single submitter. Criteria: Invitae Variant Classification Sherloc (09022015). Collection method: clinical testing. Allele origin: germline.
Comment: This sequence change replaces proline, which is neutral and non-polar, with leucine, which is neutral and non-polar, at codon 856 of the KIAA1549 protein (p.Pro856Leu). This variant is present in population databases (no rsID available, gnomAD 0.005%). This variant has not been reported in the literature in individuals affected with KIAA1549-related conditions. Algorithms developed to predict the effect of missense changes on protein structure and function output the following: SIFT: "Tolerated"; PolyPhen-2: "Benign"; Align-GVGD: "Class C0". The leucine amino acid residue is found in multiple mammalian species, which suggests that this missense change does not adversely affect protein function. In summary, the available evidence is currently insufficient to determine the role of this variant in disease. Therefore, it has been classified as a Variant of Uncertain Significance.

NM_001164665.2(KIAA1549):c.2567C>T (p.Pro856Leu)

Gene: KIAA1549 (KIAA1549; minus strand). Cytogenetic location: 7q34.
Variant type: single nucleotide variant.
Coding change: c.2567C>T on transcript NM_001164665.2 (MANE Select); coding-DNA position 2567, C replaced by T.
Protein change: p.Pro856Leu; replaces proline 856 with leucine.
Molecular consequence: missense variant.
Genome position (GRCh38, 1-based): chr7:138,917,059, G>A on the plus strand (C>T on the coding strand, the complement: KIAA1549 is on the minus strand). VCF-style: chr7-138917059-G-A. GRCh37 (hg19) VCF-style: chr7-138601805-G-A.
Other names: c.2567C>T, p.Pro856Leu (NM_020910.3); short protein forms P856L.
Identifiers: ClinVar variation 2045633 (VCV002045633.4), dbSNP rs760405182, ClinGen allele CA369392405.